The following is an entry in ClinVar:

ClinVar aggregate classification (germline): Uncertain significance (1 of 4 stars; one submission).

Conditions:
Left ventricular noncompaction 1 (LVNC1). Also called: LEFT VENTRICULAR NONCOMPACTION 1 WITH OR WITHOUT CONGENITAL HEART DEFECTS. Identifiers: Orphanet 54260, MedGen C1858725, MONDO:0011403, OMIM 604169.

Submission:

Labcorp Genetics (formerly Invitae), Labcorp
Classification: Uncertain significance for Left ventricular noncompaction 1. Last evaluated: 2025-07-30. Review status: criteria provided, single submitter. Criteria: Invitae Variant Classification Sherloc (09022015). Collection method: clinical testing. Allele origin: germline.
Comment: This sequence change replaces leucine, which is neutral and non-polar, with phenylalanine, which is neutral and non-polar, at codon 617 of the DTNA protein (p.Leu617Phe). This variant is not present in population databases (gnomAD no frequency). This variant has not been reported in the literature in individuals affected with DTNA-related conditions. An algorithm developed to predict the effect of missense changes on protein structure and function (PolyPhen-2) suggests that this variant is likely to be disruptive. In summary, the available evidence is currently insufficient to determine the role of this variant in disease. Therefore, it has been classified as a Variant of Uncertain Significance.

NM_001386795.1(DTNA):c.1932G>C (p.Leu644Phe)

Gene: DTNA (dystrobrevin alpha; plus strand). Cytogenetic location: 18q12.1.
Variant type: single nucleotide variant.
Coding change: c.1932G>C on transcript NM_001386795.1 (MANE Select); coding-DNA position 1932, G replaced by C.
Protein change: p.Leu644Phe; replaces leucine 644 with phenylalanine.
Molecular consequence: missense variant.
Genome position (GRCh38, 1-based): chr18:34,877,747, G>C. VCF-style: chr18-34877747-G-C. GRCh37 (hg19) VCF-style: chr18-32457711-G-C.
Other names: c.1671G>C, p.Leu557Phe (NM_001198938.2, NM_001198940.2, NM_001386753.1 and 5 more transcripts); c.1692G>C, p.Leu564Phe (NM_001198939.2); c.978G>C, p.Leu326Phe (NM_001198942.1); c.921G>C, p.Leu307Phe (NM_001198943.1); c.807G>C, p.Leu269Phe (NM_001198944.1); c.1761G>C, p.Leu587Phe (NM_001386754.1, NM_001386755.1, NM_001386756.1 and 3 more transcripts); c.1758G>C, p.Leu586Phe (NM_001386760.1); c.1680G>C, p.Leu560Phe (NM_001386761.1, NM_032975.4); and 5 more; short protein forms L265F, L269F, L326F, L617F, L307F, L556F, L587F, L557F.
Identifiers: ClinVar variation 4724415 (VCV004724415.1).